The following is an entry in ClinVar:

NM_001101.5(ACTB):c.1108G>A (p.Val370Ile)

Gene: ACTB (actin beta; minus strand). Cytogenetic location: 7p22.1.
Variant type: single nucleotide variant.
Coding change: c.1108G>A on transcript NM_001101.5 (MANE Select); coding-DNA position 1108, G replaced by A.
Protein change: p.Val370Ile; replaces valine 370 with isoleucine.
Molecular consequence: missense variant.
Genome position (GRCh38, 1-based): chr7:5,527,768, C>T on the plus strand (G>A on the coding strand, the complement: ACTB is on the minus strand). VCF-style: chr7-5527768-C-T. GRCh37 (hg19) VCF-style: chr7-5567399-C-T.
Other names: short protein forms V370I.
Identifiers: ClinVar variation 4991263 (VCV004991263.1).

ClinVar aggregate classification (germline): Uncertain significance (1 of 4 stars; one submission).

Conditions:
ACTB-related disorder. Also called: ACTB-related disorders; ACTB-related condition.

Submission:

PreventionGenetics, part of Exact Sciences
Classification: Uncertain significance for ACTB-related condition. Last evaluated: 2026-02-25. Review status: criteria provided, single submitter. Criteria: ACMG Guidelines, 2015. Collection method: clinical testing. Allele origin: germline.
Comment: The ACTB c.1108G>A variant is predicted to result in the amino acid substitution p.Val370Ile. To our knowledge, this variant has not been reported in the literature or in a large population database (gnomAD), indicating this variant is rare. At this time, the clinical significance of this variant is uncertain due to the absence of conclusive functional and genetic evidence.